The following is an entry in ClinVar:

ClinVar aggregate classification (germline): Benign/Likely benign. Review status: criteria provided, multiple submitters, no conflicts (2 of 4 stars). 4 submissions from 4 submitters: Benign (2); Likely benign (1). 1 of the submissions does not count toward it. Last evaluated 2026-02-01.

Conditions:
NUP188-related disorder. Also called: NUP188-related condition.

Allele frequency attached by ClinVar (database versions not stated): 1000 Genomes Project 0.00180; 1000 Genomes Project 30x 0.00203; TOPMed 0.00413; ESP Exome Variant Server 0.00507.
gnomAD v4.1: 9,670 of 1,613,956 alleles (0.6%); highest among the groups gnomAD compares: Non-Finnish European, 0.69%; 29 homozygotes.

Submissions (4):

CeGaT Center for Human Genetics Tuebingen
Classification: Likely benign. Last evaluated: 2026-02-01. Review status: criteria provided, single submitter. Criteria: CeGaT Center For Human Genetics Tuebingen Variant Classification Criteria Version 2. Collection method: clinical testing. Allele origin: germline. Affected: yes. Observed: 15 variant alleles.
Comment: NUP188: BS2

Labcorp Genetics (formerly Invitae), Labcorp
Classification: Benign. Last evaluated: 2019-12-31. Review status: criteria provided, single submitter. Criteria: Invitae Variant Classification Sherloc (09022015). Collection method: clinical testing. Allele origin: germline.

Breakthrough Genomics
Classification: Benign. Review status: criteria provided, single submitter. Criteria: ACMG Guidelines, 2015. Collection method: not provided. Allele origin: germline. Inheritance: Autosomal recessive inheritance. Affected: yes.

PreventionGenetics, part of Exact Sciences
Classification: Likely benign for NUP188-related condition. Last evaluated: 2019-03-26. Review status: no assertion criteria provided. Collection method: clinical testing. Allele origin: germline. Not counted in ClinVar's aggregate classification.
Comment: This variant is classified as likely benign based on ACMG/AMP sequence variant interpretation guidelines (Richards et al. 2015 PMID: 25741868, with internal and published modifications).

NM_015354.3(NUP188):c.3974G>A (p.Arg1325His)

Gene: NUP188 (nucleoporin 188; plus strand). Cytogenetic location: 9q34.11.
Variant type: single nucleotide variant.
Coding change: c.3974G>A on transcript NM_015354.3 (MANE Select); coding-DNA position 3974, G replaced by A.
Protein change: p.Arg1325His; replaces arginine 1325 with histidine.
Molecular consequence: missense variant.
Genome position (GRCh38, 1-based): chr9:129,001,659, G>A. VCF-style: chr9-129001659-G-A. GRCh37 (hg19) VCF-style: chr9-131763938-G-A.
Other names: short protein forms R1325H.
Identifiers: ClinVar variation 789306 (VCV000789306.29), dbSNP rs41316500, ClinGen allele CA5273149.
Genomic context (GRCh38, chr9:129,001,659, plus strand): 5'-AGGTAACCCGCAGGCTCCCCATCCTACCCACCCTCCTCACCACTCTAGAGGTGAGCCTTC[G>A]CATGAAGCAGAACCTGCATTTCACTGAGGCCACATTGCATCTGCTCCTCACCCTGGCTCG-3'
Protein context (NP_056169.1, residues 1315-1335): TLLTTLEVSL[Arg1325His]MKQNLHFTEA